The following is an entry in ClinVar:

ClinVar aggregate classification (germline): Uncertain significance (1 of 4 stars; one submission).

Conditions:
Kabuki syndrome. Also called: Kabuki make-up syndrome; NIIKAWA-KUROKI SYNDROME. Identifiers: Orphanet 2322, MedGen C0796004, MONDO:0016512.

Submission:

Labcorp Genetics (formerly Invitae), Labcorp
Classification: Uncertain significance for Kabuki syndrome. Last evaluated: 2023-01-24. Review status: criteria provided, single submitter. Criteria: Invitae Variant Classification Sherloc (09022015). Collection method: clinical testing. Allele origin: germline.
Comment: In summary, the available evidence is currently insufficient to determine the role of this variant in disease. Therefore, it has been classified as a Variant of Uncertain Significance. Advanced modeling of protein sequence and biophysical properties (such as structural, functional, and spatial information, amino acid conservation, physicochemical variation, residue mobility, and thermodynamic stability) performed at Invitae indicates that this missense variant is expected to disrupt KMT2D protein function. This variant has not been reported in the literature in individuals affected with KMT2D-related conditions. This variant is not present in population databases (gnomAD no frequency). This sequence change replaces cysteine, which is neutral and slightly polar, with arginine, which is basic and polar, at codon 142 of the KMT2D protein (p.Cys142Arg).

NM_003482.4(KMT2D):c.424T>C (p.Cys142Arg)

Gene: KMT2D (lysine methyltransferase 2D; minus strand). Cytogenetic location: 12q13.12.
Variant type: single nucleotide variant.
Coding change: c.424T>C on transcript NM_003482.4 (MANE Select); coding-DNA position 424, T replaced by C.
Protein change: p.Cys142Arg; replaces cysteine 142 with arginine.
Molecular consequence: missense variant.
Genome position (GRCh38, 1-based): chr12:49,054,393, A>G on the plus strand (T>C on the coding strand, the complement: KMT2D is on the minus strand). VCF-style: chr12-49054393-A-G. GRCh37 (hg19) VCF-style: chr12-49448176-A-G.
Other names: short protein forms C142R.
Identifiers: ClinVar variation 2831512 (VCV002831512.3), dbSNP rs2498469925, ClinGen allele CA384687303.
Genomic context (GRCh38, chr12:49,054,393, plus strand): 5'-TGTCCACACCACATAGTTCTGGGCCCTCCTGCCCCCATACGCCTGCCGACCATGCAGCAC[A>G]CCAATGGTGAGCCCAGCAGGACCCTTTACAGGTGGGAAGAGGTAAAGAGAAAGGAAAGAA-3'
Protein context (NP_003473.3, residues 132-152): PGGSCWAHHW[Cys142Arg]AAWSAGVWGQ